The following is an entry in ClinVar:

ClinVar aggregate classification (germline): Conflicting classifications of pathogenicity. Review status: criteria provided, conflicting classifications (1 of 4 stars). 3 submissions from 3 submitters: Pathogenic (1); Likely pathogenic (1); Uncertain significance (1). Last evaluated 2023-11-20.

Conditions:
Corticosterone methyloxidase type 2 deficiency. Also called: 18-OXIDASE DEFICIENCY; ALDOSTERONE DEFICIENCY DUE TO DEFICIENCY OF STEROID 18-OXIDASE; ALDOSTERONE DEFICIENCY II; CMO II DEFICIENCY; STEROID 18-OXIDASE DEFICIENCY. Identifiers: Orphanet 427, MedGen C3463917, MONDO:0012524, OMIM 610600. Disease mechanism: loss of function.
CYP11B2-related disorders.

gnomAD v4.1: 6 of 1,613,740 alleles (0.00037%); highest among the groups gnomAD compares: South Asian, 0.0066%; no homozygotes.

Submissions (3):

Clinical Biochemistry Laboratory, Health Services Laboratory
Classification: Pathogenic for Corticosterone methyloxidase type 2 deficiency. Last evaluated: 2023-11-20. Review status: criteria provided, single submitter. Criteria: ACMG Guidelines, 2015. Collection method: clinical testing. Allele origin: germline. Affected: yes.
Comment: ACMG:PS1 PM2 PM3 PM5 PP4

Blueprint Genetics
Classification: Likely pathogenic for CYP11B2-related disorders. Last evaluated: 2023-04-14. Review status: criteria provided, single submitter. Criteria: ACMG Guidelines, 2015. Collection method: clinical testing. Allele origin: germline. Affected: yes. Observed: 2 variant alleles.

Suma Genomics
Classification: Uncertain significance. Review status: criteria provided, single submitter. Criteria: ACMG Guidelines, 2015. Collection method: clinical testing. Allele origin: germline. Inheritance: Autosomal recessive inheritance. Affected: yes. Observed: 1 homozygote.

NM_000498.3(CYP11B2):c.542G>C (p.Arg181Pro)

Genes: CYP11B2 (cytochrome P450 family 11 subfamily B member 2; minus strand), LOC106799834 (CYP11B2 recombination region; plus strand). Cytogenetic location: 8q24.3.
Variant type: single nucleotide variant.
Coding change: c.542G>C on transcript NM_000498.3 (MANE Select); coding-DNA position 542, G replaced by C.
Protein change: p.Arg181Pro; replaces arginine 181 with proline.
Molecular consequence: missense variant.
Genome position (GRCh38, 1-based): chr8:142,915,099, C>G on the plus strand (G>C on the coding strand, the complement: CYP11B2 is on the minus strand). VCF-style: chr8-142915099-C-G. GRCh37 (hg19) VCF-style: chr8-143996515-C-G.
Other names: short protein forms R181P.
Identifiers: ClinVar variation 2582685 (VCV002582685.4), dbSNP rs779011569, ClinGen allele CA372390475.